The following is an entry in ClinVar:

ClinVar aggregate classification (germline): Uncertain significance. Review status: criteria provided, multiple submitters, no conflicts (2 of 4 stars). 2 submissions from 2 submitters: Uncertain significance (2). Last evaluated 2025-08-29.

Allele frequency attached by ClinVar (database versions not stated): ExAC 0.00001; TOPMed 0.00003; gnomAD 0.00001.
gnomAD v4.1: 50 of 1,614,126 alleles (0.0031%); highest among the groups gnomAD compares: Non-Finnish European, 0.0041%; no homozygotes.

Submissions (2):

Ambry Genetics
Classification: Uncertain significance. Last evaluated: 2025-08-29. Review status: criteria provided, single submitter. Criteria: Ambry Variant Classification Scheme 2023. Collection method: clinical testing. Allele origin: germline.

Labcorp Genetics (formerly Invitae), Labcorp
Classification: Uncertain significance. Last evaluated: 2025-08-29. Review status: criteria provided, single submitter. Criteria: Invitae Variant Classification Sherloc (09022015). Collection method: clinical testing. Allele origin: germline.
Comment: This sequence change replaces serine, which is neutral and polar, with glycine, which is neutral and non-polar, at codon 34 of the ACACA protein (p.Ser34Gly). This variant is present in population databases (rs768175310, gnomAD 0.0009%). This variant has not been reported in the literature in individuals affected with ACACA-related conditions. ClinVar contains an entry for this variant (Variation ID: 2223427). An algorithm developed to predict the effect of missense changes on protein structure and function (PolyPhen-2) suggests that this variant is likely to be tolerated. In summary, the available evidence is currently insufficient to determine the role of this variant in disease. Therefore, it has been classified as a Variant of Uncertain Significance.

NM_198834.3(ACACA):c.211A>G (p.Ser71Gly)

Gene: ACACA (acetyl-CoA carboxylase alpha; minus strand). Cytogenetic location: 17q12.
Variant type: single nucleotide variant.
Coding change: c.211A>G on transcript NM_198834.3 (MANE Select); coding-DNA position 211, A replaced by G.
Protein change: p.Ser71Gly; replaces serine 71 with glycine.
Molecular consequence: missense variant.
Genome position (GRCh38, 1-based): chr17:37,330,300, T>C on the plus strand (A>G on the coding strand, the complement: ACACA is on the minus strand). VCF-style: chr17-37330300-T-C. GRCh37 (hg19) VCF-style: chr17-35687240-T-C.
Other names: c.100A>G, p.Ser34Gly (NM_198836.3, NM_198839.3); short protein forms S34G, S71G.
Identifiers: ClinVar variation 2223427 (VCV002223427.4), dbSNP rs768175310, ClinGen allele CA8516110.